The following is an entry in ClinVar:

NM_001035.3(RYR2):c.3316G>C (p.Glu1106Gln)

Gene: RYR2 (ryanodine receptor 2; plus strand). Cytogenetic location: 1q43.
Variant type: single nucleotide variant.
Coding change: c.3316G>C on transcript NM_001035.3 (MANE Select); coding-DNA position 3316, G replaced by C.
Protein change: p.Glu1106Gln; replaces glutamic acid 1106 with glutamine.
Molecular consequence: missense variant.
Genome position (GRCh38, 1-based): chr1:237,566,668, G>C. VCF-style: chr1-237566668-G-C. GRCh37 (hg19) VCF-style: chr1-237729968-G-C.
Other names: short protein forms E1106Q.
Identifiers: ClinVar variation 4756522 (VCV004756522.1).

ClinVar aggregate classification (germline): Uncertain significance (1 of 4 stars; one submission).

Conditions:
Cardiomyopathy (CMYO). Also called: Cardiomyopathies. Identifiers: Orphanet 167848, MedGen C0878544, MONDO:0004994, HP:0001638. Inheritance: Various modes of inheritance.

gnomAD v4.1: 1 of 1,613,932 alleles (0.000062%); highest among the groups gnomAD compares: Non-Finnish European, 0.000085%; no homozygotes.

Submission:

Color Diagnostics, LLC DBA Color Health
Classification: Uncertain significance for Cardiomyopathy. Last evaluated: 2025-09-15. Review status: criteria provided, single submitter. Criteria: ACMG Guidelines, 2015. Collection method: clinical testing. Allele origin: germline.
Comment: This missense variant replaces glutamic acid with glutamine at codon 1106 of the RYR2 protein. Computational prediction suggests that this variant may not impact protein structure and function. To our knowledge, functional studies have not been reported for this variant. This variant has not been reported in individuals affected with RYR2-related disorders in the literature. This variant has not been identified in the general population by the Genome Aggregation Database (gnomAD). The available evidence is insufficient to determine the role of this variant in disease conclusively. Therefore, this variant is classified as a Variant of Uncertain Significance.